The following is an entry in ClinVar:

ClinVar aggregate classification (germline): Pathogenic (1 of 4 stars; one submission).

Conditions:
Hereditary spastic paraplegia 4. Also called: Spastic paraplegia 4, autosomal dominant; Familial spastic paraplegia autosomal dominant 2; Spastic Paraplegia 4. Identifiers: Orphanet 100985, MedGen C1866855, MONDO:0008438, OMIM 182601.

Submission:

Labcorp Genetics (formerly Invitae), Labcorp
Classification: Pathogenic for Hereditary spastic paraplegia 4. Last evaluated: 2022-10-03. Review status: criteria provided, single submitter. Criteria: Invitae Variant Classification Sherloc (09022015). Collection method: clinical testing. Allele origin: germline.
Comment: This variant is a gross deletion of the genomic region encompassing exon(s) 8-9 of the SPAST gene. This variant would be expected to be in-frame, preserving the integrity of the reading frame. A similar copy number variant has been observed in individuals with hereditary spastic paraplegia (PMID: 19423133, 25065914). It has also been observed to segregate with disease in related individuals. For these reasons, this variant has been classified as Pathogenic.

Literature cited by the submitters: PubMed 19423133; PubMed 25065914.

NC_000002.12:g.(?_32126928)_(32128499_?)del

Gene: SPAST (spastin; plus strand). Cytogenetic location: 2p22.3.
Variant type: Deletion.
Identifiers: ClinVar variation 468558 (VCV000468558.2).